The following is an entry in ClinVar:

NM_001492.6(GDF1):c.217G>A (p.Glu73Lys)

Genes: CERS1 (ceramide synthase 1; minus strand), GDF1 (growth differentiation factor 1; minus strand). Cytogenetic location: 19p13.11.
Variant type: single nucleotide variant.
Coding change: c.217G>A on transcript NM_001492.6 (MANE Select); coding-DNA position 217, G replaced by A.
Protein change: p.Glu73Lys; replaces glutamic acid 73 with lysine.
Molecular consequence: missense variant. On other transcripts: 3 prime UTR variant (2).
Genome position (GRCh38, 1-based): chr19:18,870,091, C>T on the plus strand (G>A on the coding strand, the complement: GDF1 is on the minus strand). VCF-style: chr19-18870091-C-T. GRCh37 (hg19) VCF-style: chr19-18980900-C-T.
Other names: c.*486G>A (NM_001387440.1, NM_021267.5); c.217G>A, p.Glu73Lys (NM_001387438.1); short protein forms E73K.
Identifiers: ClinVar variation 3602371 (VCV003602371.1).

ClinVar aggregate classification (germline): Uncertain significance (1 of 4 stars; one submission).

gnomAD v4.1: 2 of 1,574,638 alleles (0.00013%); highest among the groups gnomAD compares: Admixed American, 0.0018%; no homozygotes.

Submission:

GeneDx
Classification: Uncertain significance. Last evaluated: 2024-07-31. Review status: criteria provided, single submitter. Criteria: GeneDx Variant Classification Process June 2021. Collection method: clinical testing. Allele origin: germline. Affected: yes.
Comment: Not observed at significant frequency in large population cohorts (gnomAD); In silico analysis indicates that this missense variant does not alter protein structure/function; Has not been previously published as pathogenic or benign to our knowledge